The following is an entry in ClinVar:

NM_001365951.3(KIF1B):c.1376G>T (p.Ser459Ile)

Gene: KIF1B (kinesin family member 1B; plus strand). Cytogenetic location: 1p36.22.
Variant type: single nucleotide variant.
Coding change: c.1376G>T on transcript NM_001365951.3 (MANE Select); coding-DNA position 1376, G replaced by T.
Protein change: p.Ser459Ile; replaces serine 459 with isoleucine.
Molecular consequence: missense variant.
Genome position (GRCh38, 1-based): chr1:10,282,475, G>T. VCF-style: chr1-10282475-G-T. GRCh37 (hg19) VCF-style: chr1-10342533-G-T.
Other names: c.1376G>T, p.Ser459Ile (NM_001365952.1); c.1238G>T, p.Ser413Ile (NM_001365953.1, NM_015074.3, NM_183416.4); short protein forms S413I, S459I.
Identifiers: ClinVar variation 1757441 (VCV001757441.2), dbSNP rs375389310, ClinGen allele CA338336463.

ClinVar aggregate classification (germline): Uncertain significance (1 of 4 stars; one submission).

gnomAD v4.1: 2 of 1,614,120 alleles (0.00012%); highest among the groups gnomAD compares: Non-Finnish European, 0.000085%; no homozygotes.

Submission:

Ambry Genetics
Classification: Uncertain significance. Last evaluated: 2022-05-01. Review status: criteria provided, single submitter. Criteria: Ambry Variant Classification Scheme 2023. Collection method: clinical testing. Allele origin: germline.
Comment: The p.S413I variant (also known as c.1238G>T), located in coding exon 12 of the KIF1B gene, results from a G to T substitution at nucleotide position 1238. The serine at codon 413 is replaced by isoleucine, an amino acid with dissimilar properties. This amino acid position is conserved. In addition, the in silico prediction for this alteration is inconclusive. Since supporting evidence is limited at this time, the clinical significance of this alteration remains unclear.